The following is an entry in ClinVar:

NM_213599.3(ANO5):c.31G>A (p.Ala11Thr)

Gene: ANO5 (anoctamin 5; plus strand). Cytogenetic location: 11p14.3.
Variant type: single nucleotide variant.
Coding change: c.31G>A on transcript NM_213599.3 (MANE Select); coding-DNA position 31, G replaced by A.
Protein change: p.Ala11Thr; replaces alanine 11 with threonine.
Molecular consequence: missense variant.
Genome position (GRCh38, 1-based): chr11:22,193,523, G>A. VCF-style: chr11-22193523-G-A. GRCh37 (hg19) VCF-style: chr11-22215069-G-A.
Other names: c.31G>A, p.Ala11Thr (NM_001142649.2); short protein forms A11T.
Identifiers: ClinVar variation 646000 (VCV000646000.9), dbSNP rs1373002417, ClinGen allele CA379921933.
Genomic context (GRCh38, chr11:22,193,523, plus strand): 5'-GGCACCAGTGCCATTAACGAGCTGGCGAAGATGGGCGACCCGGATCTCCTGGAAGTGTTG[G>A]CGGAGGAAGGTAGGACCGCGCCAAGAGGCGTCAAGGGAGAGCCAGGCTGGCTGCCTGCAC-3'
Protein context (NP_998764.1, residues 1-21): MGDPDLLEVL[Ala11Thr]EEGEKVNKHI

ClinVar aggregate classification (germline): Uncertain significance (1 of 4 stars; one submission).

Conditions:
Autosomal recessive limb-girdle muscular dystrophy type 2L (LGMDR12). Also called: Limb-girdle muscular dystrophy, type 2L; MUSCULAR DYSTROPHY, LIMB-GIRDLE, AUTOSOMAL RECESSIVE 12; Limb-Girdle Muscular Dystrophy R12 Anoctamin-5-Related (LGMD-R12). Identifiers: Orphanet 206549, MedGen C1969785, MONDO:0012652, OMIM 611307.
Gnathodiaphyseal dysplasia (GDD). Also called: GNATHODIAPHYSEAL SCLEROSIS; OSTEOGENESIS IMPERFECTA WITH UNUSUAL SKELETAL LESIONS. Identifiers: Orphanet 53697, MedGen C1833736, MONDO:0008151, OMIM 166260.

Allele frequency attached by ClinVar (database versions not stated): gnomAD exomes 0.00001; gnomAD 0.00003; TOPMed 0.00003.
gnomAD v4.1: 12 of 1,612,918 alleles (0.00074%); highest among the groups gnomAD compares: Admixed American, 0.0067%; no homozygotes.

Submission:

Labcorp Genetics (formerly Invitae), Labcorp
Classification: Uncertain significance for Autosomal recessive limb-girdle muscular dystrophy type 2L; Gnathodiaphyseal dysplasia. Last evaluated: 2018-10-10. Review status: criteria provided, single submitter. Criteria: Invitae Variant Classification Sherloc (09022015). Collection method: clinical testing. Allele origin: germline.
Comment: This sequence change replaces alanine with threonine at codon 11 of the ANO5 protein (p.Ala11Thr). The alanine residue is weakly conserved and there is a small physicochemical difference between alanine and threonine. This variant is not present in population databases (ExAC no frequency). This variant has not been reported in the literature in individuals with ANO5-related disease. Algorithms developed to predict the effect of missense changes on protein structure and function output the following: SIFT: "Tolerated"; PolyPhen-2: "Benign"; Align-GVGD: "Class C0". The threonine amino acid residue is found in multiple mammalian species, suggesting that this missense change does not adversely affect protein function. These predictions have not been confirmed by published functional studies and their clinical significance is uncertain. In summary, the available evidence is currently insufficient to determine the role of this variant in disease. Therefore, it has been classified as a Variant of Uncertain Significance.